The following is an entry in ClinVar:

Single allele

Genes: ADTRP (androgen dependent TFPI regulating protein; minus strand), ATXN1 (ataxin 1; minus strand), BLOC1S5 (biogenesis of lysosomal organelles complex 1 subunit 5; minus strand), BMP6 (bone morphogenetic protein 6; plus strand), BPHL (biphenyl hydrolase like; plus strand) and 92 more. Cytogenetic location: 6p25.3-22.3.
Variant type: Duplication.
Identifiers: ClinVar variation 560067 (VCV000560067.3).

ClinVar aggregate classification (germline): Pathogenic (1 of 4 stars; one submission).

Submission:

Geisinger Autism and Developmental Medicine Institute, Geisinger Health System
Classification: Pathogenic. Last evaluated: 2018-04-16. Review status: criteria provided, single submitter. Criteria: ACMG CNV Guidelines, 2011. Collection method: provider interpretation. Allele origin: de novo.

Literature cited by the submitters: PubMed 21280092.